The following is an entry in ClinVar:

NM_021020.5(LZTS1):c.281C>A (p.Ala94Asp)

Gene: LZTS1 (leucine zipper tumor suppressor 1; minus strand). Cytogenetic location: 8p21.3.
Variant type: single nucleotide variant.
Coding change: c.281C>A on transcript NM_021020.5 (MANE Select); coding-DNA position 281, C replaced by A.
Protein change: p.Ala94Asp; replaces alanine 94 with aspartic acid.
Molecular consequence: missense variant.
Genome position (GRCh38, 1-based): chr8:20,254,901, G>T on the plus strand (C>A on the coding strand, the complement: LZTS1 is on the minus strand). VCF-style: chr8-20254901-G-T. GRCh37 (hg19) VCF-style: chr8-20112412-G-T.
Other names: c.281C>A, p.Ala94Asp (NM_001362884.2); c.281C>A (NM_021020.2); short protein forms A94D.
Identifiers: ClinVar variation 3609016 (VCV003609016.3).

ClinVar aggregate classification (germline): Uncertain significance. Review status: criteria provided, multiple submitters, no conflicts (2 of 4 stars). 2 submissions from 2 submitters: Uncertain significance (2). Last evaluated 2025-08-05.

Submissions (2):

Ambry Genetics
Classification: Uncertain significance. Last evaluated: 2025-08-05. Review status: criteria provided, single submitter. Criteria: Ambry Variant Classification Scheme 2023. Collection method: clinical testing. Allele origin: germline.

Labcorp Genetics (formerly Invitae), Labcorp
Classification: Uncertain significance. Last evaluated: 2024-04-15. Review status: criteria provided, single submitter. Criteria: Invitae Variant Classification Sherloc (09022015). Collection method: clinical testing. Allele origin: germline.
Comment: This sequence change replaces alanine, which is neutral and non-polar, with aspartic acid, which is acidic and polar, at codon 94 of the LZTS1 protein (p.Ala94Asp). This variant is not present in population databases (gnomAD no frequency). This variant has not been reported in the literature in individuals affected with LZTS1-related conditions. Advanced modeling of protein sequence and biophysical properties (such as structural, functional, and spatial information, amino acid conservation, physicochemical variation, residue mobility, and thermodynamic stability) performed at Invitae indicates that this missense variant is not expected to disrupt LZTS1 protein function with a negative predictive value of 80%. In summary, the available evidence is currently insufficient to determine the role of this variant in disease. Therefore, it has been classified as a Variant of Uncertain Significance.